The following is an entry in ClinVar:

ClinVar aggregate classification (germline): Uncertain significance. Review status: criteria provided, multiple submitters, no conflicts (2 of 4 stars). 2 submissions from 2 submitters: Uncertain significance (2). Last evaluated 2022-08-31.

Allele frequency attached by ClinVar (database versions not stated): ExAC 0.00001; ESP Exome Variant Server 0.00008.
gnomAD v4.1: 2 of 1,613,340 alleles (0.00012%); highest among the groups gnomAD compares: African/African-American, 0.0027%; no homozygotes.

Submissions (2):

Blueprint Genetics
Classification: Uncertain significance. Last evaluated: 2022-08-31. Review status: criteria provided, single submitter. Criteria: ACMG Guidelines, 2015. Collection method: clinical testing. Allele origin: germline.

Labcorp Genetics (formerly Invitae), Labcorp
Classification: Uncertain significance. Last evaluated: 2022-07-09. Review status: criteria provided, single submitter. Criteria: Invitae Variant Classification Sherloc (09022015). Collection method: clinical testing. Allele origin: germline.
Comment: This sequence change replaces serine, which is neutral and polar, with cysteine, which is neutral and slightly polar, at codon 583 of the LCA5 protein (p.Ser583Cys). This variant is present in population databases (rs138594057, gnomAD 0.007%). This variant has not been reported in the literature in individuals affected with LCA5-related conditions. Algorithms developed to predict the effect of missense changes on protein structure and function (SIFT, PolyPhen-2, Align-GVGD) all suggest that this variant is likely to be tolerated. In summary, the available evidence is currently insufficient to determine the role of this variant in disease. Therefore, it has been classified as a Variant of Uncertain Significance.

NM_001122769.3(LCA5):c.1747A>T (p.Ser583Cys)

Gene: LCA5 (lebercilin LCA5; minus strand). Cytogenetic location: 6q14.1.
Variant type: single nucleotide variant.
Coding change: c.1747A>T on transcript NM_001122769.3 (MANE Select); coding-DNA position 1747, A replaced by T.
Protein change: p.Ser583Cys; replaces serine 583 with cysteine.
Molecular consequence: missense variant.
Genome position (GRCh38, 1-based): chr6:79,487,351, T>A on the plus strand (A>T on the coding strand, the complement: LCA5 is on the minus strand). VCF-style: chr6-79487351-T-A. GRCh37 (hg19) VCF-style: chr6-80197068-T-A.
Other names: c.1747A>T, p.Ser583Cys (NM_181714.4); short protein forms S583C.
Identifiers: ClinVar variation 1986769 (VCV001986769.2), dbSNP rs138594057, ClinGen allele CA3900781.